The following is an entry in ClinVar:

NM_020166.5(MCCC1):c.1905del (p.Lys635fs)

Gene: MCCC1 (methylcrotonyl-CoA carboxylase subunit 1; minus strand). Cytogenetic location: 3q27.1.
Variant type: Deletion.
Coding change: c.1905del on transcript NM_020166.5 (MANE Select); coding-DNA position 1905, one base deleted (A; older notation c.1905delA).
Protein change: p.Lys635fs; shifts the reading frame from lysine 635.
Molecular consequence: frameshift variant. On other transcripts: non-coding transcript variant (2).
Genome position (GRCh38, 1-based): chr3:183,020,202, T deleted on the plus strand (A on the coding strand, the reverse complement: MCCC1 is on the minus strand); the first of 3 consecutive T bases (chr3:183,020,202-183,020,204); deleting any one gives the same sequence. VCF-style (leftmost placement, unchanged base first): chr3-183020201-AT-A. GRCh37 (hg19) VCF-style: chr3-182737989-AT-A.
Other names: c.1905delA (NM_020166.4); c.1554del, p.Lys518fs (NM_001293273.2); c.1578del, p.Lys526fs (NM_001363880.1); short protein forms K635fs, K518fs, K526fs.
Identifiers: ClinVar variation 167267 (VCV000167267.15), dbSNP rs727504001, ClinGen allele CA234233.

ClinVar aggregate classification (germline): Pathogenic/Likely pathogenic. Review status: criteria provided, multiple submitters, no conflicts (2 of 4 stars). 4 submissions from 4 submitters: Pathogenic (2); Likely pathogenic (2). Last evaluated 2025-08-31.

Conditions:
MCCC1-related disorder. Also called: MCCC1-related condition.
Methylcrotonyl-CoA carboxylase deficiency. Also called: 3 Methylcrotonylglycinuria; Deficiency of methylcrotonoyl-CoA carboxylase; 3-MCC Deficiency. Identifiers: Orphanet 6, MedGen C4551505, MONDO:0018950.
3-methylcrotonyl-CoA carboxylase 1 deficiency (MCC1D). Also called: MCCD TYPE 1; METHYLCROTONYLGLYCINURIA TYPE I; MCC 1 deficiency; 3 Alpha methylcrotonylglycinuria 1. Identifiers: Orphanet 6, MedGen CN028786, MONDO:0008861, OMIM 210200.

Submissions (4):

Labcorp Genetics (formerly Invitae), Labcorp
Classification: Pathogenic for 3-methylcrotonyl-CoA carboxylase 1 deficiency. Last evaluated: 2025-08-31. Review status: criteria provided, single submitter. Criteria: Invitae Variant Classification Sherloc (09022015). Collection method: clinical testing. Allele origin: germline.
Comment: This sequence change creates a premature translational stop signal (p.Lys635Asnfs*6) in the MCCC1 gene. It is expected to result in an absent or disrupted protein product. Loss-of-function variants in MCCC1 are known to be pathogenic (PMID: 11181649, 15359379, 22642865). This variant is present in population databases (rs727504001, gnomAD 0.0009%). This variant has not been reported in the literature in individuals affected with MCCC1-related conditions. ClinVar contains an entry for this variant (Variation ID: 167267). Algorithms developed to predict the effect of sequence changes on RNA splicing suggest that this variant may disrupt the consensus splice site. For these reasons, this variant has been classified as Pathogenic.

Blueprint Genetics
Classification: Likely pathogenic for MCCC1-related disorders. Last evaluated: 2024-10-15. Review status: criteria provided, single submitter. Criteria: ACMG Guidelines, 2015. Collection method: clinical testing. Allele origin: germline. Affected: yes. Observed: 2 variant alleles.

Women's Health and Genetics/Laboratory Corporation of America, LabCorp
Classification: Likely pathogenic for Methylcrotonyl-CoA carboxylase deficiency. Last evaluated: 2022-12-23. Review status: criteria provided, single submitter. Criteria: LabCorp Variant Classification Summary - May 2015. Collection method: clinical testing. Allele origin: germline.
Comment: Variant summary: MCCC1 c.1905delA (p.Lys635AsnfsX6) results in a premature termination codon, predicted to cause a truncation of the encoded protein or absence of the protein due to nonsense mediated decay, which are commonly known mechanisms for disease. Truncations downstream of this position have been associated with 3-methylcrotonyl-CoA carboxylase deficiency in HGMD and are classified as pathogenic in ClinVar. The variant allele was found at a frequency of 4e-06 in 251348 control chromosomes. To our knowledge, no occurrence of c.1905delA in individuals affected with Methylcrotonyl-CoA Carboxylase Deficiency and no experimental evidence demonstrating its impact on protein function have been reported. One clinical diagnostic laboratory has submitted clinical-significance assessments for this variant to ClinVar after 2014 and classified the variant as pathogenic. Based on the evidence outlined above, the variant was classified as likely pathogenic.

Eurofins Ntd Llc (ga)
Classification: Pathogenic. Last evaluated: 2013-11-21. Review status: criteria provided, single submitter. Criteria: EGL Classification Definitions. Collection method: clinical testing. Allele origin: germline. Observed: 2 variant alleles, 2 heterozygotes.

Literature cited by the submitters: PubMed 11181649 (cited by Labcorp Genetics (formerly Invitae), Labcorp); PubMed 15359379 (cited by Labcorp Genetics (formerly Invitae), Labcorp); PubMed 22642865 (cited by Labcorp Genetics (formerly Invitae), Labcorp).